The following is an entry in ClinVar:

NM_016239.4(MYO15A):c.1387A>G (p.Met463Val)

Gene: MYO15A (myosin XVA; plus strand). Cytogenetic location: 17p11.2.
Variant type: single nucleotide variant.
Coding change: c.1387A>G on transcript NM_016239.4 (MANE Select); coding-DNA position 1387, A replaced by G.
Protein change: p.Met463Val; replaces methionine 463 with valine.
Molecular consequence: missense variant.
Genome position (GRCh38, 1-based): chr17:18,120,187, A>G. VCF-style: chr17-18120187-A-G. GRCh37 (hg19) VCF-style: chr17-18023501-A-G.
Other names: short protein forms M463V.
Identifiers: ClinVar variation 227634 (VCV000227634.53), dbSNP rs201794569, ClinGen allele CA8423091.

ClinVar aggregate classification (germline): Conflicting classifications of pathogenicity. Review status: criteria provided, conflicting classifications (1 of 4 stars). 7 submissions from 7 submitters: Uncertain significance (1); Likely benign (5). 1 of the submissions does not count toward it. Last evaluated 2026-07-01.

Conditions:
MYO15A-related disorder. Also called: MYO15A-related condition.
Autosomal recessive nonsyndromic hearing loss 3. Also called: NEUROSENSORY NONSYNDROMIC RECESSIVE DEAFNESS 3. Identifiers: Orphanet 90636, MedGen C1838263, MONDO:0010860, OMIM 600316.

Allele frequency attached by ClinVar (database versions not stated): 1000 Genomes Project 30x 0.00062; 1000 Genomes Project 0.00080; gnomAD 0.00096; ESP Exome Variant Server 0.00110; TOPMed 0.00110.
gnomAD v4.1: 2,236 of 1,612,908 alleles (0.14%); highest among the groups gnomAD compares: Middle Eastern, 0.23%; 5 homozygotes.

Submissions (7):

CeGaT Center for Human Genetics Tuebingen
Classification: Likely benign. Last evaluated: 2026-07-01. Review status: criteria provided, single submitter. Criteria: CeGaT Center For Human Genetics Tuebingen Variant Classification Criteria Version 2. Collection method: clinical testing. Allele origin: germline. Affected: yes. Observed: 10 variant alleles.
Comment: MYO15A: BP4, BS2

Labcorp Genetics (formerly Invitae), Labcorp
Classification: Likely benign. Last evaluated: 2026-01-22. Review status: criteria provided, single submitter. Criteria: Invitae Variant Classification Sherloc (09022015). Collection method: clinical testing. Allele origin: germline.

Blueprint Genetics
Classification: Likely benign. Last evaluated: 2024-11-07. Review status: criteria provided, single submitter. Criteria: ACMG Guidelines, 2015. Collection method: clinical testing. Allele origin: germline.

GeneDx
Classification: Likely benign. Last evaluated: 2021-02-10. Review status: criteria provided, single submitter. Criteria: GeneDx Variant Classification Process June 2021. Collection method: clinical testing. Allele origin: germline. Affected: yes.
Comment: This variant is associated with the following publications: (PMID: 27375115, 30953472, 25262649, 22736430, 22903915, 30245029)

Illumina Laboratory Services, Illumina
Classification: Uncertain significance for Autosomal recessive nonsyndromic hearing loss 3. Last evaluated: 2018-01-13. Review status: criteria provided, single submitter. Criteria: ICSL Variant Classification Criteria 13 December 2019. Collection method: clinical testing. Allele origin: germline.

Laboratory for Molecular Medicine, Mass General Brigham Personalized Medicine
Classification: Likely benign. Last evaluated: 2017-04-25. Review status: criteria provided, single submitter. Criteria: LMM Criteria. Collection method: clinical testing. Allele origin: germline. Observed: 4 variant alleles.
Comment: p.Met463Val in exon 2 of MYO15A: This variant is not expected to have clinical s ignificance because it has been identified in 0.3% (29/10144) Ashkenazi Jewish c hromosomes by the Genome Aggregation Database (gnomAD; dbSNP rs201794569). In addition, although this variant was previously reported in a family with hearing loss, it was in cis with a pathogenic loss of function variant that was the likely explanation of the hearing loss in that fam ily (Fattahi 2012).

PreventionGenetics, part of Exact Sciences
Classification: Likely benign for MYO15A-related condition. Last evaluated: 2019-11-18. Review status: no assertion criteria provided. Collection method: clinical testing. Allele origin: germline. Not counted in ClinVar's aggregate classification.
Comment: This variant is classified as likely benign based on ACMG/AMP sequence variant interpretation guidelines (Richards et al. 2015 PMID: 25741868, with internal and published modifications).

Literature cited by the submitters: PubMed 22736430 (cited by Laboratory for Molecular Medicine, Mass General Brigham Personalized Medicine); PubMed 25262649 (cited by Laboratory for Molecular Medicine, Mass General Brigham Personalized Medicine); PubMed 22903915 (cited by Laboratory for Molecular Medicine, Mass General Brigham Personalized Medicine).